The following is an entry in ClinVar:

ClinVar aggregate classification (germline): Uncertain significance. Review status: criteria provided, multiple submitters, no conflicts (2 of 4 stars). 2 submissions from 2 submitters: Uncertain significance (2). Last evaluated 2025-04-08.

Allele frequency attached by ClinVar (database versions not stated): ExAC 0.00001; gnomAD exomes below 0.00001.
gnomAD v4.1: 1 of 1,614,114 alleles (0.000062%); highest among the groups gnomAD compares: Admixed American, 0.0017%; no homozygotes.

Submissions (2):

Ambry Genetics
Classification: Uncertain significance. Last evaluated: 2025-04-08. Review status: criteria provided, single submitter. Criteria: Ambry Variant Classification Scheme 2023. Collection method: clinical testing. Allele origin: germline.

Labcorp Genetics (formerly Invitae), Labcorp
Classification: Uncertain significance. Last evaluated: 2022-11-15. Review status: criteria provided, single submitter. Criteria: Invitae Variant Classification Sherloc (09022015). Collection method: clinical testing. Allele origin: germline.
Comment: In summary, the available evidence is currently insufficient to determine the role of this variant in disease. Therefore, it has been classified as a Variant of Uncertain Significance. Algorithms developed to predict the effect of missense changes on protein structure and function are either unavailable or do not agree on the potential impact of this missense change (SIFT: "Tolerated"; PolyPhen-2: "Possibly Damaging"; Align-GVGD: "Class C0"). ClinVar contains an entry for this variant (Variation ID: 1497759). This variant has not been reported in the literature in individuals affected with CEP19-related conditions. This variant is present in population databases (rs773774549, gnomAD 0.003%). This sequence change replaces glycine, which is neutral and non-polar, with arginine, which is basic and polar, at codon 31 of the CEP19 protein (p.Gly31Arg).

NM_032898.5(CEP19):c.79G>A (p.Gly27Arg)

Gene: CEP19 (centrosomal protein 19; minus strand). Cytogenetic location: 3q29.
Variant type: single nucleotide variant.
Coding change: c.79G>A on transcript NM_032898.5 (MANE Select); coding-DNA position 79, G replaced by A.
Protein change: p.Gly27Arg; replaces glycine 27 with arginine.
Molecular consequence: missense variant. On other transcripts: intron variant (1).
Genome position (GRCh38, 1-based): chr3:196,708,579, C>T on the plus strand (G>A on the coding strand, the complement: CEP19 is on the minus strand). VCF-style: chr3-196708579-C-T. GRCh37 (hg19) VCF-style: chr3-196435450-C-T.
Other names: c.79G>A, p.Gly27Arg (NM_001379469.1, NM_001379470.1); c.26-667G>A (NM_001379468.1); c.91G>A (NM_032898.3); short protein forms G27R.
Identifiers: ClinVar variation 1497759 (VCV001497759.7), dbSNP rs773774549, ClinGen allele CA2782171.